The following is an entry in ClinVar:

ClinVar aggregate classification (germline): Uncertain significance (1 of 4 stars; one submission).

Conditions:
Myofibrillar myopathy 4. Also called: Zaspopathy (type). Identifiers: Orphanet 98912, MedGen C4721886, MONDO:0012277, OMIM 609452.

Allele frequency attached by ClinVar (database versions not stated): gnomAD exomes below 0.00001; TOPMed below 0.00001; gnomAD 0.00001.
gnomAD v4.1: 3 of 1,613,956 alleles (0.00019%); highest among the groups gnomAD compares: Non-Finnish European, 0.00017%; no homozygotes.

Submission:

Labcorp Genetics (formerly Invitae), Labcorp
Classification: Uncertain significance for Myofibrillar myopathy 4. Last evaluated: 2019-02-08. Review status: criteria provided, single submitter. Criteria: Invitae Variant Classification Sherloc (09022015). Collection method: clinical testing. Allele origin: germline.
Comment: In summary, the available evidence is currently insufficient to determine the role of this variant in disease. Therefore, it has been classified as a Variant of Uncertain Significance. Algorithms developed to predict the effect of missense changes on protein structure and function are either unavailable or do not agree on the potential impact of this missense change (SIFT: "Deleterious"; PolyPhen-2: "Not Available"; Align-GVGD: "Class C25"). This variant has not been reported in the literature in individuals with LDB3-related conditions. This variant is not present in population databases (ExAC no frequency). This sequence change replaces valine with isoleucine at codon 564 of the LDB3 protein (p.Val564Ile). The valine residue is highly conserved and there is a small physicochemical difference between valine and isoleucine. The LDB3 gene has multiple clinically relevant transcripts. The p.Val564Ile variant occurs in alternate transcript NM_007078.2, which corresponds to c.*18603G>A in NM_001080116.1, the primary transcript listed in the Methods.

NM_007078.3(LDB3):c.1690G>A (p.Val564Ile)

Gene: LDB3 (LIM domain binding 3; plus strand). Cytogenetic location: 10q23.2.
Variant type: single nucleotide variant.
Coding change: c.1690G>A on transcript NM_007078.3 (MANE Select); coding-DNA position 1690, G replaced by A.
Protein change: p.Val564Ile; replaces valine 564 with isoleucine.
Molecular consequence: missense variant.
Genome position (GRCh38, 1-based): chr10:86,717,977, G>A. VCF-style: chr10-86717977-G-A. GRCh37 (hg19) VCF-style: chr10-88477734-G-A.
Other names: c.1360G>A, p.Val454Ile (NM_001080114.2); c.1705G>A, p.Val569Ile (NM_001171610.2); c.1501G>A, p.Val501Ile (NM_001368064.1, NM_001368065.1); c.1549G>A, p.Val517Ile (NM_001368066.1); short protein forms V517I, V564I, V569I, V454I, V501I.
Identifiers: ClinVar variation 964703 (VCV000964703.8), dbSNP rs962296772, ClinGen allele CA211209090.